The following is an entry in ClinVar:

NM_002692.4(POLE2):c.997A>T (p.Asn333Tyr)

Gene: POLE2 (DNA polymerase epsilon 2, accessory subunit; minus strand). Cytogenetic location: 14q21.3.
Variant type: single nucleotide variant.
Coding change: c.997A>T on transcript NM_002692.4 (MANE Select); coding-DNA position 997, A replaced by T.
Protein change: p.Asn333Tyr; replaces asparagine 333 with tyrosine.
Molecular consequence: missense variant.
Genome position (GRCh38, 1-based): chr14:49,655,026, T>A on the plus strand (A>T on the coding strand, the complement: POLE2 is on the minus strand). VCF-style: chr14-49655026-T-A. GRCh37 (hg19) VCF-style: chr14-50121744-T-A.
Other names: c.919A>T, p.Asn307Tyr (NM_001197330.2); c.997A>T, p.Asn333Tyr (NM_001197331.3, NM_001348384.2); c.766A>T, p.Asn256Tyr (NM_001348385.2); short protein forms N256Y, N307Y, N333Y.
Identifiers: ClinVar variation 2067490 (VCV002067490.4), dbSNP rs2502829813, ClinGen allele CA389603521.
Genomic context (GRCh38, chr14:49,655,026, plus strand): 5'-GACTATAGAAACACTTCTTATTAAATAGATCGTTAATACCTTTCAAAGCTTGAACTTGAT[T>A]TTTTCCATATGGTGCAGATGAAAAATTACCACACAGAATAAAGCAGGTTGGAGGTGCTGG-3'
Protein context (NP_002683.2, residues 323-343): GNFSSAPYGK[Asn333Tyr]QVQALKDSLK

ClinVar aggregate classification (germline): Uncertain significance (1 of 4 stars; one submission).

Submission:

Labcorp Genetics (formerly Invitae), Labcorp
Classification: Uncertain significance. Last evaluated: 2021-12-31. Review status: criteria provided, single submitter. Criteria: Invitae Variant Classification Sherloc (09022015). Collection method: clinical testing. Allele origin: germline.
Comment: In summary, the available evidence is currently insufficient to determine the role of this variant in disease. Therefore, it has been classified as a Variant of Uncertain Significance. Algorithms developed to predict the effect of missense changes on protein structure and function are either unavailable or do not agree on the potential impact of this missense change (SIFT: "Deleterious"; PolyPhen-2: "Benign"; Align-GVGD: "Class C0"). This variant has not been reported in the literature in individuals affected with POLE2-related conditions. This variant is not present in population databases (gnomAD no frequency). This sequence change replaces asparagine, which is neutral and polar, with tyrosine, which is neutral and polar, at codon 333 of the POLE2 protein (p.Asn333Tyr).